The following is an entry in ClinVar:

ClinVar aggregate classification (germline): Uncertain significance (1 of 4 stars; one submission).

Conditions:
PROS1-related disorder. Also called: PROS1-related condition.

Allele frequency attached by ClinVar (database versions not stated): TOPMed below 0.00001.

Submission:

PreventionGenetics, part of Exact Sciences
Classification: Uncertain significance for PROS1-related condition. Last evaluated: 2022-11-28. Review status: criteria provided, single submitter. Criteria: ACMG Guidelines, 2015. Collection method: clinical testing. Allele origin: germline.
Comment: The PROS1 c.1313T>G variant is predicted to result in the amino acid substitution p.Leu438Arg. To our knowledge, this variant has not been reported in the literature or in a large population database, indicating this variant is rare. At this time, the clinical significance of this variant is uncertain due to the absence of conclusive functional and genetic evidence.

NM_000313.4(PROS1):c.1313T>G (p.Leu438Arg)

Gene: PROS1 (protein S; minus strand). Cytogenetic location: 3q11.1.
Variant type: single nucleotide variant.
Coding change: c.1313T>G on transcript NM_000313.4 (MANE Select); coding-DNA position 1313, T replaced by G.
Protein change: p.Leu438Arg; replaces leucine 438 with arginine.
Molecular consequence: missense variant.
Genome position (GRCh38, 1-based): chr3:93,886,346, A>C on the plus strand (T>G on the coding strand, the complement: PROS1 is on the minus strand). VCF-style: chr3-93886346-A-C. GRCh37 (hg19) VCF-style: chr3-93605190-A-C.
Other names: c.1409T>G, p.Leu470Arg (NM_001314077.2); short protein forms L438R, L470R.
Identifiers: ClinVar variation 2635361 (VCV002635361.1), dbSNP rs1708347909, ClinGen allele CA353669233.